The following is an entry in ClinVar:

ClinVar aggregate classification (germline): Benign/Likely benign. Review status: criteria provided, multiple submitters, no conflicts (2 of 4 stars). 6 submissions from 6 submitters: Benign (3); Likely benign (3). Last evaluated 2026-06-01.

Conditions:
Nager syndrome (AFD1). Also called: Nager acrofacial dysostosis; Nager acrofacial dysostosis syndrome; MANDIBULOFACIAL DYSOSTOSIS, TREACHER COLLINS TYPE, WITH LIMB ANOMALIES; Acrofacial Dysostosis 1, Nager Type. Identifiers: Orphanet 245, MedGen C0265245, MONDO:0007943, OMIM 154400.

Allele frequency attached by ClinVar (database versions not stated): 1000 Genomes Project 0.00260; 1000 Genomes Project 30x 0.00297; gnomAD exomes 0.00330; ExAC 0.00332; ESP Exome Variant Server 0.00340; TOPMed 0.00357; gnomAD 0.00359.

Submissions (6):

CeGaT Center for Human Genetics Tuebingen
Classification: Likely benign. Last evaluated: 2026-06-01. Review status: criteria provided, single submitter. Criteria: CeGaT Center For Human Genetics Tuebingen Variant Classification Criteria Version 2. Collection method: clinical testing. Allele origin: germline. Affected: yes. Observed: 6 variant alleles.
Comment: SF3B4: BP4, BP7, BS2

Women's Health and Genetics/Laboratory Corporation of America, LabCorp
Classification: Benign. Last evaluated: 2026-05-11. Review status: criteria provided, single submitter. Criteria: LabCorp Variant Classification Summary - May 2015. Collection method: clinical testing. Allele origin: germline.

Labcorp Genetics (formerly Invitae), Labcorp
Classification: Benign. Last evaluated: 2026-01-15. Review status: criteria provided, single submitter. Criteria: Invitae Variant Classification Sherloc (09022015). Collection method: clinical testing. Allele origin: germline.

Blueprint Genetics
Classification: Likely benign. Last evaluated: 2024-11-22. Review status: criteria provided, single submitter. Criteria: ACMG Guidelines, 2015. Collection method: clinical testing. Allele origin: germline.

Fulgent Genetics
Classification: Likely benign for Nager syndrome. Last evaluated: 2022-01-14. Review status: criteria provided, single submitter. Criteria: ACMG Guidelines, 2015. Collection method: clinical testing. Allele origin: unknown.

Breakthrough Genomics
Classification: Benign. Review status: criteria provided, single submitter. Criteria: ACMG Guidelines, 2015. Collection method: not provided. Allele origin: germline. Inheritance: Autosomal dominant inheritance. Affected: yes.

NM_005850.5(SF3B4):c.735C>T (p.Pro245=)

Gene: SF3B4 (splicing factor 3b subunit 4; minus strand). Cytogenetic location: 1q21.2.
Variant type: single nucleotide variant.
Coding change: c.735C>T on transcript NM_005850.5 (MANE Select); coding-DNA position 735, C replaced by T.
Protein change: p.Pro245=; no amino-acid change (proline 245 retained).
Molecular consequence: synonymous variant.
Genome position (GRCh38, 1-based): chr1:149,926,014, G>A on the plus strand (C>T on the coding strand, the complement: SF3B4 is on the minus strand). VCF-style: chr1-149926014-G-A. GRCh37 (hg19) VCF-style: chr1-149897906-G-A.
Identifiers: ClinVar variation 292476 (VCV000292476.37), dbSNP rs113949235, ClinGen allele CA1071467.
Genomic context (GRCh38, chr1:149,926,014, plus strand): 5'-AGGTGGTGGGGGCATGGCTGGGGGTATCCCAGGTGGGAGGGCTCCAGGAGGTGGCACTGG[G>A]GGTGGGAAGGAGCCAGGAGGAGGCATGCCTATAGAGGAAATGGAAAAAGGAAGAGTTAAT-3'
Protein context (NP_005841.1, residues 235-255): PGMPPPGSFP[Pro245=]PVPPPGALPP